The following is an entry in ClinVar:

ClinVar aggregate classification (germline): Pathogenic/Likely pathogenic. Review status: criteria provided, multiple submitters, no conflicts (2 of 4 stars). 2 submissions from 2 submitters: Pathogenic (1); Likely pathogenic (1). Last evaluated 2026-05-12.

Conditions:
X-linked intellectual disability, Cantagrel type (XLID98). Also called: INTELLECTUAL DEVELOPMENTAL DISORDER, X-LINKED 98. Identifiers: Orphanet 85277, MedGen C3806730, MONDO:0010483, OMIM 300912.
Intellectual disability. Also called: intellectual disabilities; Intellectual developmental disorder; Intellectual functioning disability. Identifiers: MedGen C3714756, MeSH D008607, MONDO:0001071, HP:0001249.

Submissions (2):

Kasturba Medical College, Manipal, Kasturba Medical College, Manipal, Manipal Academy of Higher Education, Manipal, India
Classification: Likely pathogenic for X-linked intellectual disability, Cantagrel type. Last evaluated: 2026-05-12. Review status: criteria provided, single submitter. Criteria: ACMG Guidelines, 2015. Collection method: research. Allele origin: de novo. Inheritance: X-linked dominant inheritance. Affected: yes. Observed: 1 variant allele, 1 heterozygote.
Comment: This variant is absent in the gnomAD (v4.1.0) population database and in our in-house database of 4231 exomes. The variant likely introduces a premature termination codon, which may either result in truncated protein product or cause the transcript to undergo nonsense-medicated mRNA decay. This variant is reported in ClinVar as pathogenic by a single submitter (Accession: VCV000978830.2) in association with intellectual disability.

Diagnostic Laboratory, Strasbourg University Hospital
Classification: Pathogenic for Intellectual disability. Last evaluated: 2020-04-20. Review status: criteria provided, single submitter. Criteria: ACMG Guidelines, 2015. Collection method: clinical testing. Allele origin: de novo. Inheritance: X-linked inheritance. Affected: yes. Observed: 1 heterozygote.

NM_001008537.3(NEXMIF):c.1426C>T (p.Gln476Ter)

Gene: NEXMIF (neurite extension and migration factor; minus strand). Cytogenetic location: Xq13.3.
Variant type: single nucleotide variant.
Coding change: c.1426C>T on transcript NM_001008537.3 (MANE Select); coding-DNA position 1426, C replaced by T.
Protein change: p.Gln476Ter; replaces glutamine 476 with a stop codon.
Molecular consequence: nonsense.
Genome position (GRCh38, 1-based): chrX:74,743,131, G>A on the plus strand (C>T on the coding strand, the complement: NEXMIF is on the minus strand). VCF-style: chrX-74743131-G-A. GRCh37 (hg19) VCF-style: chrX-73962966-G-A.
Other names: short protein forms Q476*.
Identifiers: ClinVar variation 978830 (VCV000978830.3), dbSNP rs2080113099, ClinGen allele CA413670533.